The following is an entry in ClinVar:

NM_002439.5(MSH3):c.2539T>G (p.Cys847Gly)

Gene: MSH3 (mutS homolog 3; plus strand). Cytogenetic location: 5q14.1.
Variant type: single nucleotide variant.
Coding change: c.2539T>G on transcript NM_002439.5 (MANE Select); coding-DNA position 2539, T replaced by G.
Protein change: p.Cys847Gly; replaces cysteine 847 with glycine.
Molecular consequence: missense variant.
Genome position (GRCh38, 1-based): chr5:80,787,668, T>G. VCF-style: chr5-80787668-T-G. GRCh37 (hg19) VCF-style: chr5-80083487-T-G.
Other names: short protein forms C847G.
Identifiers: ClinVar variation 1792794 (VCV001792794.5), dbSNP rs2546784384, ClinGen allele CA360283456.

ClinVar aggregate classification (germline): Uncertain significance. Review status: criteria provided, multiple submitters, no conflicts (2 of 4 stars). 2 submissions from 2 submitters: Uncertain significance (2). Last evaluated 2023-05-09.

Conditions:
Hereditary cancer-predisposing syndrome. Also called: Tumor predisposition; Hereditary Cancer Syndrome; Neoplastic Syndromes, Hereditary; Hereditary neoplastic syndrome. Identifiers: Orphanet 140162, MedGen C0027672, MeSH D009386, MONDO:0015356.

Allele frequency attached by ClinVar (database versions not stated): gnomAD exomes below 0.00001.

Submissions (2):

Labcorp Genetics (formerly Invitae), Labcorp
Classification: Uncertain significance. Last evaluated: 2023-05-09. Review status: criteria provided, single submitter. Criteria: Invitae Variant Classification Sherloc (09022015). Collection method: clinical testing. Allele origin: germline.
Comment: This variant is not present in population databases (gnomAD no frequency). This sequence change replaces cysteine, which is neutral and slightly polar, with glycine, which is neutral and non-polar, at codon 847 of the MSH3 protein (p.Cys847Gly). In summary, the available evidence is currently insufficient to determine the role of this variant in disease. Therefore, it has been classified as a Variant of Uncertain Significance. An algorithm developed to predict the effect of missense changes on protein structure and function (PolyPhen-2) suggests that this variant is likely to be disruptive. ClinVar contains an entry for this variant (Variation ID: 1792794). This variant has not been reported in the literature in individuals affected with MSH3-related conditions.

Ambry Genetics
Classification: Uncertain significance for Hereditary cancer-predisposing syndrome. Last evaluated: 2021-05-14. Review status: criteria provided, single submitter. Criteria: Ambry Variant Classification Scheme 2023. Collection method: clinical testing. Allele origin: germline.
Comment: The p.C847G variant (also known as c.2539T>G), located in coding exon 18 of the MSH3 gene, results from a T to G substitution at nucleotide position 2539. The cysteine at codon 847 is replaced by glycine, an amino acid with highly dissimilar properties. This amino acid position is highly conserved in available vertebrate species. In addition, this alteration is predicted to be deleterious by in silico analysis. Since supporting evidence is limited at this time, the clinical significance of this alteration remains unclear.